The following is an entry in ClinVar:

ClinVar aggregate classification (germline): Uncertain significance. Review status: criteria provided, multiple submitters, no conflicts (2 of 4 stars). 2 submissions from 2 submitters: Uncertain significance (2). Last evaluated 2025-10-29.

Allele frequency attached by ClinVar (database versions not stated): gnomAD exomes below 0.00001; ExAC 0.00001.

Submissions (2):

Ambry Genetics
Classification: Uncertain significance. Last evaluated: 2025-10-29. Review status: criteria provided, single submitter. Criteria: Ambry Variant Classification Scheme 2023. Collection method: clinical testing. Allele origin: germline.

Labcorp Genetics (formerly Invitae), Labcorp
Classification: Uncertain significance. Last evaluated: 2024-01-27. Review status: criteria provided, single submitter. Criteria: Invitae Variant Classification Sherloc (09022015). Collection method: clinical testing. Allele origin: germline.
Comment: This sequence change replaces phenylalanine, which is neutral and non-polar, with leucine, which is neutral and non-polar, at codon 478 of the CETP protein (p.Phe478Leu). This variant is present in population databases (rs770051789, gnomAD 0.0009%). This variant has not been reported in the literature in individuals affected with CETP-related conditions. An algorithm developed to predict the effect of missense changes on protein structure and function (PolyPhen-2) suggests that this variant is likely to be disruptive. In summary, the available evidence is currently insufficient to determine the role of this variant in disease. Therefore, it has been classified as a Variant of Uncertain Significance.

NM_000078.3(CETP):c.1432T>C (p.Phe478Leu)

Gene: CETP (cholesteryl ester transfer protein; plus strand). Cytogenetic location: 16q13.
Variant type: single nucleotide variant.
Coding change: c.1432T>C on transcript NM_000078.3 (MANE Select); coding-DNA position 1432, T replaced by C.
Protein change: p.Phe478Leu; replaces phenylalanine 478 with leucine.
Molecular consequence: missense variant.
Genome position (GRCh38, 1-based): chr16:56,983,616, T>C. VCF-style: chr16-56983616-T-C. GRCh37 (hg19) VCF-style: chr16-57017528-T-C.
Other names: c.1252T>C, p.Phe418Leu (NM_001286085.2); c.1432T>C (NM_000078.2); short protein forms F418L, F478L.
Identifiers: ClinVar variation 2981627 (VCV002981627.4), dbSNP rs770051789, ClinGen allele CA8071413.